The following is an entry in ClinVar:

NM_000238.4(KCNH2):c.491G>A (p.Arg164His)

Gene: KCNH2 (potassium voltage-gated channel subfamily H member 2; minus strand). Cytogenetic location: 7q36.1.
Variant type: single nucleotide variant.
Coding change: c.491G>A on transcript NM_000238.4 (MANE Select); coding-DNA position 491, G replaced by A.
Protein change: p.Arg164His; replaces arginine 164 with histidine.
Molecular consequence: missense variant.
Genome position (GRCh38, 1-based): chr7:150,958,484, C>T on the plus strand (G>A on the coding strand, the complement: KCNH2 is on the minus strand). VCF-style: chr7-150958484-C-T. GRCh37 (hg19) VCF-style: chr7-150655572-C-T.
Other names: NM_000238.3(KCNH2):c.491G>A(p.Arg164His); NM_172056.2(KCNH2):c.491G>A(p.Arg164His); c.491G>A (LRG_288t1); c.203G>A, p.Arg68His (NM_001406753.1, NM_001406756.1); c.314G>A, p.Arg105His (NM_001406755.1); c.191G>A, p.Arg64His (NM_001406757.1); c.491G>A, p.Arg164His (NM_172056.3); short protein forms R164H, R105H, R68H, R64H.
Identifiers: ClinVar variation 67508 (VCV000067508.13), dbSNP rs199472866, ClinGen allele CA008521.

ClinVar aggregate classification (germline): Uncertain significance. Review status: criteria provided, multiple submitters, no conflicts (2 of 4 stars). 7 submissions from 7 submitters: Uncertain significance (6). 1 of the submissions does not count toward it. Last evaluated 2026-01-27.

Conditions:
Cardiovascular phenotype. Identifiers: MedGen CN230736.
Familial long QT syndrome (RWS). Also called: Congenital long QT syndrome; Romano-Ward syndrome; VENTRICULAR FIBRILLATION WITH PROLONGED QT INTERVAL. Identifiers: Orphanet 768, MedGen C1141890, MONDO:0019171.
Short QT syndrome type 1. Identifiers: Orphanet 51083, MedGen C1865020, MONDO:0012312, OMIM 609620.
Long QT syndrome 2 (LQT2). Identifiers: Orphanet 101016, Orphanet 768, MedGen C3150943, MONDO:0013367, OMIM 613688.
Long QT syndrome (LQTS). Identifiers: MedGen C0023976, MeSH D008133, MONDO:0002442. Disease mechanism: loss of function. Inheritance: Various modes of inheritance.

Allele frequency attached by ClinVar (database versions not stated): ExAC below 0.00001; gnomAD 0.00005 and 0.00004; TOPMed 0.00004.
gnomAD v4.1: 120 of 1,472,416 alleles (0.0081%); highest among the groups gnomAD compares: Non-Finnish European, 0.01%; no homozygotes.

Submissions (7):

Labcorp Genetics (formerly Invitae), Labcorp
Classification: Uncertain significance for Long QT syndrome. Last evaluated: 2026-01-27. Review status: criteria provided, single submitter. Criteria: Invitae Variant Classification Sherloc (09022015). Collection method: clinical testing. Allele origin: germline.
Comment: This sequence change replaces arginine, which is basic and polar, with histidine, which is basic and polar, at codon 164 of the KCNH2 protein (p.Arg164His). The frequency data for this variant in the population databases is considered unreliable, as metrics indicate poor data quality at this position in the gnomAD database. This missense change has been observed in individuals with long QT syndrome (PMID: 19716085, 22429796; internal data). ClinVar contains an entry for this variant (Variation ID: 67508). An algorithm developed to predict the effect of missense changes on protein structure and function (PolyPhen-2) suggests that this variant is likely to be disruptive. In summary, the available evidence is currently insufficient to determine the role of this variant in disease. Therefore, it has been classified as a Variant of Uncertain Significance.

AiLife Diagnostics
Classification: Uncertain significance. Last evaluated: 2022-01-06. Review status: criteria provided, single submitter. Criteria: ACMG Guidelines, 2015. Collection method: clinical testing. Allele origin: germline. Affected: yes. Observed: 1 variant allele.

Fulgent Genetics
Classification: Uncertain significance for Short QT syndrome type 1; Long QT syndrome 2. Last evaluated: 2021-10-02. Review status: criteria provided, single submitter. Criteria: ACMG Guidelines, 2015. Collection method: clinical testing. Allele origin: unknown.

Ambry Genetics
Classification: Uncertain significance for Cardiovascular phenotype. Last evaluated: 2019-10-31. Review status: criteria provided, single submitter. Criteria: Ambry Variant Classification Scheme 2023. Collection method: clinical testing. Allele origin: germline.

SIB Swiss Institute of Bioinformatics
Classification: Uncertain significance for Long QT syndrome 2. Last evaluated: 2018-05-31. Review status: criteria provided, single submitter. Criteria: ACMG Guidelines, 2015. Collection method: curation. Allele origin: unknown.
Comment: This variant is interpreted as a Uncertain Significance - Insufficient Evidence, for Long QT syndrome 2, in Autosomal Dominant manner. The following ACMG Tag(s) were applied: PM2-Supporting => PM2 downgraded in strength to Supporting.

Genomic Diagnostic Laboratory, Division of Genomic Diagnostics, Children's Hospital of Philadelphia
Classification: Uncertain significance for Long QT syndrome 2. Last evaluated: 2015-07-01. Review status: criteria provided, single submitter. Criteria: DGD Variant Analysis Guidelines. Collection method: clinical testing. Allele origin: unknown.

Cardiovascular Biomedical Research Unit, Royal Brompton & Harefield NHS Foundation Trust
No classification provided. Condition: Familial long QT syndrome. Review status: no classification provided. Collection method: literature only. Allele origin: germline. Not counted in ClinVar's aggregate classification.
Comment: This variant has been reported as associated with Long QT syndrome in the following publications (PMID:19716085;PMID:22429796). This is a literature report, and does not necessarily reflect the clinical interpretation of the Imperial College / Royal Brompton Cardiovascular Genetics laboratory.

Literature cited by the submitters: PubMed 19716085 (cited by 3 submitters); PubMed 22429796 (cited by 3 submitters); PubMed 28807990 (cited by AiLife Diagnostics); PubMed 32048431 (cited by AiLife Diagnostics); PubMed 22581653 (cited by Cardiovascular Biomedical Research Unit, Royal Brompton & Harefield NHS Foundation Trust).